The following is an entry in ClinVar:

ClinVar aggregate classification (germline): Pathogenic (1 of 4 stars; one submission).

Submission:

GeneDx
Classification: Pathogenic. Last evaluated: 2023-07-13. Review status: criteria provided, single submitter. Criteria: GeneDx Variant Classification Process June 2021. Collection method: clinical testing. Allele origin: germline. Affected: yes.
Comment: Nonsense variant predicted to result in protein truncation or nonsense mediated decay in a gene for which loss of function is a known mechanism of disease; Not observed at significant frequency in large population cohorts (gnomAD); This variant is associated with the following publications: (PMID: 27848944)

NM_001197104.2(KMT2A):c.10780C>T (p.Gln3594Ter)

Gene: KMT2A (lysine methyltransferase 2A; plus strand). Cytogenetic location: 11q23.3.
Variant type: single nucleotide variant.
Coding change: c.10780C>T on transcript NM_001197104.2 (MANE Select); coding-DNA position 10780, C replaced by T.
Protein change: p.Gln3594Ter; replaces glutamine 3594 with a stop codon.
Molecular consequence: nonsense.
Genome position (GRCh38, 1-based): chr11:118,507,554, C>T. VCF-style: chr11-118507554-C-T. GRCh37 (hg19) VCF-style: chr11-118378269-C-T.
Other names: c.10870C>T, p.Gln3624Ter (NM_001412597.1); c.10771C>T, p.Gln3591Ter (NM_005933.4); short protein forms Q3591*, Q3594*, Q3624*.
Identifiers: ClinVar variation 3340585 (VCV003340585.1).